The following is an entry in ClinVar:

NM_006514.4(SCN10A):c.1739G>A (p.Gly580Glu)

Gene: SCN10A (sodium voltage-gated channel alpha subunit 10; minus strand). Cytogenetic location: 3p22.2.
Variant type: single nucleotide variant.
Coding change: c.1739G>A on transcript NM_006514.4 (MANE Select); coding-DNA position 1739, G replaced by A.
Protein change: p.Gly580Glu; replaces glycine 580 with glutamic acid.
Molecular consequence: missense variant. On other transcripts: intron variant (1).
Genome position (GRCh38, 1-based): chr3:38,752,235, C>T on the plus strand (G>A on the coding strand, the complement: SCN10A is on the minus strand). VCF-style: chr3-38752235-C-T. GRCh37 (hg19) VCF-style: chr3-38793726-C-T.
Other names: c.1739G>A, p.Gly580Glu (NM_001293306.2); c.1462-2051G>A (NM_001293307.2); short protein forms G580E.
Identifiers: ClinVar variation 4801650 (VCV004801650.1).

ClinVar aggregate classification (germline): Uncertain significance (1 of 4 stars; one submission).

Conditions:
Brugada syndrome. Also called: Sudden unexpected nocturnal death syndrome; Sudden unexplained nocturnal death syndrome; Sudden Unexplained Death Syndrome; Sudden Unexplained Nocturnal Death Syndrome (SUNDS). Identifiers: Orphanet 130, MedGen C1142166, MONDO:0015263.

Submission:

Labcorp Genetics (formerly Invitae), Labcorp
Classification: Uncertain significance for Brugada syndrome. Last evaluated: 2025-08-23. Review status: criteria provided, single submitter. Criteria: Invitae Variant Classification Sherloc (09022015). Collection method: clinical testing. Allele origin: germline.
Comment: This sequence change replaces glycine, which is neutral and non-polar, with glutamic acid, which is acidic and polar, at codon 580 of the SCN10A protein (p.Gly580Glu). This variant is present in population databases (rs756466412, gnomAD 0.007%). This variant has not been reported in the literature in individuals affected with SCN10A-related conditions. Invitae Evidence Modeling of protein sequence and biophysical properties (such as structural, functional, and spatial information, amino acid conservation, physicochemical variation, residue mobility, and thermodynamic stability) indicates that this missense variant is not expected to disrupt SCN10A protein function with a negative predictive value of 95%. In summary, the available evidence is currently insufficient to determine the role of this variant in disease. Therefore, it has been classified as a Variant of Uncertain Significance.